The following is an entry in ClinVar:

NM_001365308.1(BMPER):c.371C>T (p.Pro124Leu)

Gene: BMPER (BMP binding endothelial regulator; plus strand). Cytogenetic location: 7p14.3.
Variant type: single nucleotide variant.
Coding change: c.371C>T on transcript NM_001365308.1 (MANE Select); coding-DNA position 371, C replaced by T.
Protein change: p.Pro124Leu; replaces proline 124 with leucine.
Molecular consequence: missense variant.
Genome position (GRCh38, 1-based): chr7:33,966,530, C>T. VCF-style: chr7-33966530-C-T. GRCh37 (hg19) VCF-style: chr7-34006142-C-T.
Other names: c.371C>T, p.Pro124Leu (NM_001410872.1, NM_133468.5); short protein forms P124L.
Identifiers: ClinVar variation 1911443 (VCV001911443.2), dbSNP rs371676663, ClinGen allele CA4215033.

ClinVar aggregate classification (germline): Uncertain significance (1 of 4 stars; one submission).

Allele frequency attached by ClinVar (database versions not stated): gnomAD exomes 0.00001; ExAC 0.00003; TOPMed 0.00004; gnomAD 0.00005; ESP Exome Variant Server 0.00008.
gnomAD v4.1: 25 of 1,613,672 alleles (0.0015%); highest among the groups gnomAD compares: South Asian, 0.0077%; no homozygotes.

Submission:

Labcorp Genetics (formerly Invitae), Labcorp
Classification: Uncertain significance. Last evaluated: 2022-07-05. Review status: criteria provided, single submitter. Criteria: Invitae Variant Classification Sherloc (09022015). Collection method: clinical testing. Allele origin: germline.
Comment: This sequence change replaces proline, which is neutral and non-polar, with leucine, which is neutral and non-polar, at codon 124 of the BMPER protein (p.Pro124Leu). This variant is present in population databases (rs371676663, gnomAD 0.01%). This variant has not been reported in the literature in individuals affected with BMPER-related conditions. Algorithms developed to predict the effect of missense changes on protein structure and function output the following: SIFT: "Deleterious"; PolyPhen-2: "Benign"; Align-GVGD: "Class C0". The leucine amino acid residue is found in multiple mammalian species, which suggests that this missense change does not adversely affect protein function. In summary, the available evidence is currently insufficient to determine the role of this variant in disease. Therefore, it has been classified as a Variant of Uncertain Significance.